The following is an entry in ClinVar:

NM_000088.4(COL1A1):c.4281T>C (p.Ile1427=)

Gene: COL1A1 (collagen type I alpha 1 chain; minus strand). Cytogenetic location: 17q21.33.
Variant type: single nucleotide variant.
Coding change: c.4281T>C on transcript NM_000088.4 (MANE Select); coding-DNA position 4281, T replaced by C.
Protein change: p.Ile1427=; no amino-acid change (isoleucine 1427 retained).
Molecular consequence: synonymous variant.
Genome position (GRCh38, 1-based): chr17:50,185,616, A>G on the plus strand (T>C on the coding strand, the complement: COL1A1 is on the minus strand). VCF-style: chr17-50185616-A-G. GRCh37 (hg19) VCF-style: chr17-48262977-A-G.
Identifiers: ClinVar variation 456789 (VCV000456789.32), dbSNP rs41316725, ClinGen allele CA8644191.

ClinVar aggregate classification (germline): Benign/Likely benign. Review status: criteria provided, multiple submitters, no conflicts (2 of 4 stars). 10 submissions from 10 submitters: Benign (6); Likely benign (2). 2 of the submissions do not count toward it. Last evaluated 2026-03-01.

Conditions:
Osteogenesis imperfecta type I (OI1). Also called: OI, TYPE I; OSTEOGENESIS IMPERFECTA TARDA; OSTEOGENESIS IMPERFECTA WITH BLUE SCLERAE; Osteogenesis imperfecta type 1; Lobstein's Disease; Classic Non-deforming Osteogenesis Imperfecta with Blue Sclerae. Identifiers: Orphanet 216796, Orphanet 666, MedGen C0023931, MONDO:0008146, OMIM 166200. Disease mechanism: loss of function.
Cardiovascular phenotype. Identifiers: MedGen CN230736.

Allele frequency attached by ClinVar (database versions not stated): gnomAD exomes 0.00034 and 0.00103; ExAC 0.00133; gnomAD 0.00407 and 0.00431; ESP Exome Variant Server 0.00431; TOPMed 0.00456; 1000 Genomes Project 0.00579; 1000 Genomes Project 30x 0.00687.
gnomAD v4.1: 1,149 of 1,613,940 alleles (0.071%); highest among the groups gnomAD compares: African/African-American, 1.3%; 9 homozygotes.

Submissions (10):

CeGaT Center for Human Genetics Tuebingen
Classification: Likely benign. Last evaluated: 2026-03-01. Review status: criteria provided, single submitter. Criteria: CeGaT Center For Human Genetics Tuebingen Variant Classification Criteria Version 2. Collection method: clinical testing. Allele origin: germline. Affected: yes. Observed: 1 variant allele.
Comment: COL1A1: BP4, BP7, BS1

Labcorp Genetics (formerly Invitae), Labcorp
Classification: Benign for Osteogenesis imperfecta type I. Last evaluated: 2026-01-25. Review status: criteria provided, single submitter. Criteria: Invitae Variant Classification Sherloc (09022015). Collection method: clinical testing. Allele origin: germline.

Athena Diagnostics
Classification: Benign. Last evaluated: 2024-12-24. Review status: criteria provided, single submitter. Criteria: Athena Diagnostics Criteria. Collection method: clinical testing. Allele origin: unknown.
Comment: The frequency of this variant in the general population is higher than would generally be expected for pathogenic variants in this gene. Computational tools yielded predictions that this variant is unlikely to have an effect on normal RNA splicing. This nucleotide position exhibits low evolutionary conservation.

ARUP Laboratories, Molecular Genetics and Genomics, ARUP Laboratories
Classification: Benign. Last evaluated: 2024-11-18. Review status: criteria provided, single submitter. Criteria: ARUP Molecular Germline Variant Investigation Process 2024. Collection method: clinical testing. Allele origin: germline.

Blueprint Genetics
Classification: Likely benign. Last evaluated: 2024-11-01. Review status: criteria provided, single submitter. Criteria: ACMG Guidelines, 2015. Collection method: clinical testing. Allele origin: germline.

Ambry Genetics
Classification: Benign for Cardiovascular phenotype. Last evaluated: 2019-06-19. Review status: criteria provided, single submitter. Criteria: Ambry Variant Classification Scheme 2023. Collection method: clinical testing. Allele origin: germline.

GeneDx
Classification: Benign. Last evaluated: 2017-07-17. Review status: criteria provided, single submitter. Criteria: GeneDx Variant Classification (06012015). Collection method: clinical testing. Allele origin: germline. Affected: yes.
Comment: This variant is considered likely benign or benign based on one or more of the following criteria: it is a conservative change, it occurs at a poorly conserved position in the protein, it is predicted to be benign by multiple in silico algorithms, and/or has population frequency not consistent with disease.

Breakthrough Genomics
Classification: Benign. Review status: criteria provided, single submitter. Criteria: ACMG Guidelines, 2015. Collection method: not provided. Allele origin: germline. Inheritance: Autosomal dominant inheritance. Affected: yes.

Genome Diagnostics Laboratory, Amsterdam University Medical Center
Classification: Benign. Review status: no assertion criteria provided. Collection method: clinical testing. Allele origin: germline. Affected: yes. Study: VKGL Data-share Consensus. Not counted in ClinVar's aggregate classification.

Genome Diagnostics Laboratory, University Medical Center Utrecht
Classification: Likely benign. Review status: no assertion criteria provided. Collection method: clinical testing. Allele origin: germline. Affected: yes. Study: VKGL Data-share Consensus. Not counted in ClinVar's aggregate classification.